The following is an entry in ClinVar:

ClinVar aggregate classification (germline): Uncertain significance (1 of 4 stars; one submission).

Conditions:
POLD1-related polyposis and colorectal cancer syndrome (CRCS10). Also called: Colorectal cancer 10; COLORECTAL CANCER, SUSCEPTIBILITY TO, ON CHROMOSOME 19q; Colorectal cancer, susceptibility to, 10. Identifiers: Orphanet 220460, MedGen C2675481, MONDO:0012953, OMIM 612591.

Submission:

Labcorp Genetics (formerly Invitae), Labcorp
Classification: Uncertain significance for POLD1-related polyposis and colorectal cancer syndrome. Last evaluated: 2019-01-08. Review status: criteria provided, single submitter. Criteria: Invitae Variant Classification Sherloc (09022015). Collection method: clinical testing. Allele origin: germline.
Comment: Algorithms developed to predict the effect of missense changes on protein structure and function (SIFT, PolyPhen-2, Align-GVGD) all suggest that this variant is likely to be disruptive, but these predictions have not been confirmed by published functional studies and their clinical significance is uncertain. This variant has not been reported in the literature in individuals with POLD1-related conditions. This variant is not present in population databases (ExAC no frequency). This sequence change replaces proline with arginine at codon 597 of the POLD1 protein (p.Pro597Arg). The proline residue is highly conserved and there is a moderate physicochemical difference between proline and arginine. In summary, the available evidence is currently insufficient to determine the role of this variant in disease. Therefore, it has been classified as a Variant of Uncertain Significance.

NM_002691.4(POLD1):c.1790C>G (p.Pro597Arg)

Gene: POLD1 (DNA polymerase delta 1, catalytic subunit; plus strand). Cytogenetic location: 19q13.33.
Variant type: single nucleotide variant.
Coding change: c.1790C>G on transcript NM_002691.4 (MANE Select); coding-DNA position 1790, C replaced by G.
Protein change: p.Pro597Arg; replaces proline 597 with arginine.
Molecular consequence: missense variant. On other transcripts: non-coding transcript variant (1).
Genome position (GRCh38, 1-based): chr19:50,408,799, C>G. VCF-style: chr19-50408799-C-G. GRCh37 (hg19) VCF-style: chr19-50912056-C-G.
Other names: c.1790C>G, p.Pro597Arg (NM_001256849.1); c.1868C>G, p.Pro623Arg (NM_001308632.1); short protein forms P623R, P597R.
Identifiers: ClinVar variation 860375 (VCV000860375.9), dbSNP rs2038989619, ClinGen allele CA406981959.